The following is an entry in ClinVar:

ClinVar aggregate classification (germline): Uncertain significance (1 of 4 stars; one submission).

Allele frequency attached by ClinVar (database versions not stated): gnomAD exomes 0.00001; ExAC 0.00002.
gnomAD v4.1: 7 of 1,610,176 alleles (0.00043%); highest among the groups gnomAD compares: South Asian, 0.0077%; no homozygotes.

Submission:

Labcorp Genetics (formerly Invitae), Labcorp
Classification: Uncertain significance. Last evaluated: 2023-06-09. Review status: criteria provided, single submitter. Criteria: Invitae Variant Classification Sherloc (09022015). Collection method: clinical testing. Allele origin: germline.
Comment: This variant has not been reported in the literature in individuals affected with MICAL1-related conditions. In summary, the available evidence is currently insufficient to determine the role of this variant in disease. Therefore, it has been classified as a Variant of Uncertain Significance. Algorithms developed to predict the effect of missense changes on protein structure and function output the following: SIFT: "Not Available"; PolyPhen-2: "Benign"; Align-GVGD: "Not Available". The aspartic acid amino acid residue is found in multiple mammalian species, which suggests that this missense change does not adversely affect protein function. This variant is present in population databases (rs767924957, gnomAD 0.01%). This sequence change replaces asparagine, which is neutral and polar, with aspartic acid, which is acidic and polar, at codon 336 of the MICAL1 protein (p.Asn336Asp).

NM_022765.4(MICAL1):c.949A>G (p.Asn317Asp)

Gene: MICAL1 (microtubule associated monooxygenase, calponin and LIM domain containing 1; minus strand). Cytogenetic location: 6q21.
Variant type: single nucleotide variant.
Coding change: c.949A>G on transcript NM_022765.4 (MANE Select); coding-DNA position 949, A replaced by G.
Protein change: p.Asn317Asp; replaces asparagine 317 with aspartic acid.
Molecular consequence: missense variant. On other transcripts: intron variant (1).
Genome position (GRCh38, 1-based): chr6:109,450,542, T>C on the plus strand (A>G on the coding strand, the complement: MICAL1 is on the minus strand). VCF-style: chr6-109450542-T-C. GRCh37 (hg19) VCF-style: chr6-109771745-T-C.
Other names: c.1006A>G, p.Asn336Asp (NM_001286613.2); c.934-457A>G (NM_001159291.2); short protein forms N317D, N336D.
Identifiers: ClinVar variation 2968741 (VCV002968741.3), dbSNP rs767924957, ClinGen allele CA3953543.